The following is an entry in ClinVar:

ClinVar aggregate classification (germline): Uncertain significance (1 of 4 stars; one submission).

Conditions:
Hereditary nonpolyposis colorectal neoplasms. Identifiers: MedGen C0009405, MeSH D003123.

Submission:

Labcorp Genetics (formerly Invitae), Labcorp
Classification: Uncertain significance for Hereditary nonpolyposis colorectal neoplasms. Last evaluated: 2025-08-27. Review status: criteria provided, single submitter. Criteria: Invitae Variant Classification Sherloc (09022015). Collection method: clinical testing. Allele origin: germline.
Comment: This sequence change replaces glycine, which is neutral and non-polar, with alanine, which is neutral and non-polar, at codon 279 of the PMS2 protein (p.Gly279Ala). This variant is not present in population databases (gnomAD no frequency). This variant has not been reported in the literature in individuals affected with PMS2-related conditions. Invitae Evidence Modeling of protein sequence and biophysical properties (such as structural, functional, and spatial information, amino acid conservation, physicochemical variation, residue mobility, and thermodynamic stability) indicates that this missense variant is expected to disrupt PMS2 protein function with a positive predictive value of 80%. Algorithms developed to predict the effect of sequence changes on RNA splicing suggest that this variant may disrupt the consensus splice site. In summary, the available evidence is currently insufficient to determine the role of this variant in disease. Therefore, it has been classified as a Variant of Uncertain Significance.

NM_000535.7(PMS2):c.836G>C (p.Gly279Ala)

Gene: PMS2 (PMS1 homolog 2, mismatch repair system component; minus strand). Cytogenetic location: 7p22.1.
Variant type: single nucleotide variant.
Coding change: c.836G>C on transcript NM_000535.7 (MANE Select); coding-DNA position 836, G replaced by C.
Protein change: p.Gly279Ala; replaces glycine 279 with alanine.
Molecular consequence: missense variant. On other transcripts: 5 prime UTR variant (2), non-coding transcript variant (1), intron variant (4).
Genome position (GRCh38, 1-based): chr7:5,995,601, C>G on the plus strand (G>C on the coding strand, the complement: PMS2 is on the minus strand). VCF-style: chr7-5995601-C-G. GRCh37 (hg19) VCF-style: chr7-6035232-C-G.
Other names: c.431G>C, p.Gly144Ala (NM_001322003.2, NM_001322004.2, NM_001322005.2 and 19 more transcripts); c.836G>C, p.Gly279Ala (NM_001322006.2, NM_001322014.2, NM_001406870.1 and 2 more transcripts); c.518G>C, p.Gly173Ala (NM_001322007.2, NM_001322008.2, NM_001406876.1 and 4 more transcripts); c.-98G>C (NM_001322011.2, NM_001322012.2); c.263G>C, p.Gly88Ala (NM_001322013.2, NM_001406909.1); c.527G>C, p.Gly176Ala (NM_001322015.2, NM_001406875.1, NM_001406877.1 and 6 more transcripts); c.1022G>C, p.Gly341Ala (NM_001406866.1); c.860G>C, p.Gly287Ala (NM_001406868.1); and 8 more; short protein forms G108A, G279A, G88A, G223A, G341A, G243A, G287A, G144A.
Identifiers: ClinVar variation 4743149 (VCV004743149.1).
Genomic context (GRCh38, chr7:5,995,601, plus strand): 5'-GGGTCACAAGGCCGCCGGTTGATAAAGAAAAACTGTCTGTCTGTTGAACTCCTTCCAACT[C>G]CATGCGTGCATTGTGAAATGAAACCTGAGATGCTATTCAACATTAATATGGTAAGGGCAG-3'
Protein context (NP_000526.2, residues 269-289): ISGFISQCTH[Gly279Ala]VGRSSTDRQF